The following is an entry in ClinVar:

NM_000051.4(ATM):c.4777-3dup

Gene: ATM (ATM serine/threonine kinase; plus strand). Cytogenetic location: 11q22.3.
Variant type: Duplication.
Coding change: c.4777-3dup on transcript NM_000051.4 (MANE Select); 3 bases into the intron before coding-DNA position 4777, one base duplicated (T; older notation c.4777-3dupT).
Molecular consequence: intron variant.
Genome position (GRCh38, 1-based): chr11:108,294,924, T duplicated; the last of 4 consecutive T bases (chr11:108,294,921-108,294,924); duplicating any one gives the same sequence. VCF-style (leftmost placement, unchanged base first): chr11-108294920-C-CT. GRCh37 (hg19) VCF-style: chr11-108165647-C-CT.
Other names: c.4777-3dup (NM_001351834.2).
Identifiers: ClinVar variation 1166086 (VCV001166086.10), dbSNP rs2083032760, ClinGen allele CA2499220645.
Genomic context (GRCh38, chr11:108,294,920, plus strand): 5'-TTTATTAAGTTTTATTTCACAGGCTTAACCAATACGTGTTAAAAGCAAGTTACATTTTCT[C>CT]TTTTAGGAAATTAACCATTTTCTCTCAGTAAGTGTTTATGATGCACTTCCATTGACAAGA-3'

ClinVar aggregate classification (germline): Benign/Likely benign. Review status: criteria provided, multiple submitters, no conflicts (2 of 4 stars). 2 submissions from 2 submitters: Benign (1); Likely benign (1). Last evaluated 2024-08-05.

Conditions:
Familial cancer of breast. Also called: hereditary breast carcinoma; Hereditary breast cancer; BREAST CANCER, FAMILIAL. Identifiers: Orphanet 227535, MedGen C0346153, MONDO:0016419, OMIM 114480. Disease mechanism: loss of function.
Ataxia-telangiectasia syndrome (AT). Also called: Ataxia-telangiectasia, complementation group D; AT, COMPLEMENTATION GROUP C; ATAXIA-TELANGIECTASIA, COMPLEMENTATION GROUP A; ATAXIA-TELANGIECTASIA, FRESNO VARIANT; Cerebello-oculocutaneous telangiectasia; Immunodeficiency with ataxia telangiectasia. Identifiers: Orphanet 100, MedGen C0004135, MONDO:0008840, OMIM 208900.

Submissions (2):

Labcorp Genetics (formerly Invitae), Labcorp
Classification: Benign for Ataxia-telangiectasia syndrome. Last evaluated: 2024-08-05. Review status: criteria provided, single submitter. Criteria: Invitae Variant Classification Sherloc (09022015). Collection method: clinical testing. Allele origin: germline.

Myriad Genetics, Inc.
Classification: Likely benign for Familial cancer of breast. Last evaluated: 2024-05-21. Review status: criteria provided, single submitter. Criteria: Myriad Autosomal Dominant, Autosomal Recessive and X-Linked Classification Criteria (2023). Collection method: clinical testing. Allele origin: unknown.
Comment: This variant is considered likely benign. This variant is intronic and is not expected to impact mRNA splicing.